The following is an entry in ClinVar:

NM_001367943.1(TCF7L2):c.855C>T (p.Thr285=)

Gene: TCF7L2 (transcription factor 7 like 2; plus strand). Cytogenetic location: 10q25.3.
Variant type: single nucleotide variant.
Coding change: c.855C>T on transcript NM_001367943.1 (MANE Select); coding-DNA position 855, C replaced by T.
Protein change: p.Thr285=; no amino-acid change (threonine 285 retained).
Molecular consequence: synonymous variant.
Genome position (GRCh38, 1-based): chr10:113,146,077, C>T. VCF-style: chr10-113146077-C-T. GRCh37 (hg19) VCF-style: chr10-114905836-C-T.
Other names: c.855C>T, p.Thr285= (NM_001146274.2, NM_001198531.2, NM_001363501.2); c.927C>T, p.Thr309= (NM_001146283.2); c.774C>T, p.Thr258= (NM_001146284.2, NM_001198527.2); c.786C>T, p.Thr262= (NM_001146285.2, NM_001146286.2, NM_001198525.2 and 4 more transcripts); c.684C>T, p.Thr228= (NM_001198530.2); c.426C>T, p.Thr142= (NM_001349870.2); c.306C>T, p.Thr102= (NM_001349871.1).
Identifiers: ClinVar variation 2640840 (VCV002640840.24), dbSNP rs145083306, ClinGen allele CA5693017.

ClinVar aggregate classification (germline): Likely benign (1 of 4 stars; one submission).

Allele frequency attached by ClinVar (database versions not stated): ExAC 0.00065; ESP Exome Variant Server 0.00185; gnomAD 0.00203; TOPMed 0.00231; 1000 Genomes Project 30x 0.00312; 1000 Genomes Project 0.00319.
gnomAD v4.1: 654 of 1,613,768 alleles (0.041%); highest among the groups gnomAD compares: African/African-American, 0.73%; 1 homozygote.

Submission:

CeGaT Center for Human Genetics Tuebingen
Classification: Likely benign. Last evaluated: 2026-03-01. Review status: criteria provided, single submitter. Criteria: CeGaT Center For Human Genetics Tuebingen Variant Classification Criteria Version 2. Collection method: clinical testing. Allele origin: germline. Affected: yes. Observed: 2 variant alleles.
Comment: TCF7L2: BP4, BP7